The following is an entry in ClinVar:

NM_000206.3(IL2RG):c.480_481del (p.Leu162fs)

Gene: IL2RG (interleukin 2 receptor subunit gamma; minus strand). Cytogenetic location: Xq13.1.
Variant type: Deletion.
Coding change: c.480_481del on transcript NM_000206.3 (MANE Select); coding-DNA positions 480 to 481, 2 bases deleted (AA; older notation c.480_481delAA).
Protein change: p.Leu162fs; shifts the reading frame from leucine 162.
Molecular consequence: frameshift variant.
Genome position (GRCh38, 1-based): chrX:71,110,269-71,110,270, TT deleted on the plus strand (AA on the coding strand, the reverse complement: IL2RG is on the minus strand). VCF-style (leftmost placement, unchanged base first): chrX-71110268-GTT-G. GRCh37 (hg19) VCF-style: chrX-70330118-GTT-G.
Other names: short protein forms L162fs.
Identifiers: ClinVar variation 1725110 (VCV001725110.2), dbSNP rs2519646730, ClinGen allele CA2580101336.

ClinVar aggregate classification (germline): Likely pathogenic (1 of 4 stars; one submission).

Conditions:
X-linked severe combined immunodeficiency (SCIDX1). Also called: IMMUNODEFICIENCY 4; SCID, X-LINKED; SEVERE COMBINED IMMUNODEFICIENCY, X-LINKED, T CELL-NEGATIVE, B CELL-POSITIVE, NK CELL-NEGATIVE; T-B+ severe combined immunodeficiency due to gamma chain deficiency; X-Linked Combined Immunodeficiency Diseases. Identifiers: Orphanet 276, MedGen C6022468, MONDO:0010315, OMIM 300400. Disease mechanism: loss of function.

Submission:

Myriad Genetics, Inc.
Classification: Likely pathogenic for X-linked severe combined immunodeficiency. Last evaluated: 2022-03-08. Review status: criteria provided, single submitter. Criteria: Myriad Women's Health Autosomal Recessive and X-Linked Classification Criteria (2021). Collection method: clinical testing. Allele origin: unknown.
Comment: NM_000206.2(IL2RG):c.480_481delAA(L162Sfs*5) is expected to be pathogenic in the context of X-linked severe combined immunodeficiency. This variant is predicted to lead to an abnormal or absent protein product due to the creation of a premature termination codon in IL2RG, a gene where loss-of-function variants are known to be pathogenic. Please note: this variant was assessed in the context of healthy population screening.